The following is an entry in ClinVar:

NM_001378452.1(ITPR1):c.6325G>A (p.Glu2109Lys)

Gene: ITPR1 (inositol 1,4,5-trisphosphate receptor type 1; plus strand). Cytogenetic location: 3p26.1.
Variant type: single nucleotide variant.
Coding change: c.6325G>A on transcript NM_001378452.1 (MANE Select); coding-DNA position 6325, G replaced by A.
Protein change: p.Glu2109Lys; replaces glutamic acid 2109 with lysine.
Molecular consequence: missense variant.
Genome position (GRCh38, 1-based): chr3:4,779,583, G>A. VCF-style: chr3-4779583-G-A. GRCh37 (hg19) VCF-style: chr3-4821267-G-A.
Other names: c.6181G>A, p.Glu2061Lys (NM_001099952.4); c.6280G>A, p.Glu2094Lys (NM_001168272.2); c.6136G>A, p.Glu2046Lys (NM_002222.7); short protein forms E2046K, E2061K, E2094K, E2109K.
Identifiers: ClinVar variation 3609125 (VCV003609125.3).

ClinVar aggregate classification (germline): Pathogenic/Likely pathogenic. Review status: criteria provided, multiple submitters, no conflicts (2 of 4 stars). 2 submissions from 2 submitters: Pathogenic (1); Likely pathogenic (1). Last evaluated 2024-03-31.

Conditions:
ITPR1-related disorders.

Submissions (2):

Labcorp Genetics (formerly Invitae), Labcorp
Classification: Pathogenic. Last evaluated: 2024-03-31. Review status: criteria provided, single submitter. Criteria: Invitae Variant Classification Sherloc (09022015). Collection method: clinical testing. Allele origin: germline.
Comment: This sequence change replaces glutamic acid, which is acidic and polar, with lysine, which is basic and polar, at codon 2046 of the ITPR1 protein (p.Glu2046Lys). This variant is not present in population databases (gnomAD no frequency). This missense change has been observed in individuals with clinical features of autosomal dominant Gillepsie syndrome (PMID: 27108798, 31340402; Invitae). This variant is also known as p.Glu2094Lys. Advanced modeling of protein sequence and biophysical properties (such as structural, functional, and spatial information, amino acid conservation, physicochemical variation, residue mobility, and thermodynamic stability) performed at Invitae indicates that this missense variant is expected to disrupt ITPR1 protein function with a positive predictive value of 95%. This variant disrupts the p.Glu2046 amino acid residue in ITPR1. Other variant(s) that disrupt this residue have been observed in individuals with ITPR1-related conditions (PMID: 31340402), which suggests that this may be a clinically significant amino acid residue. For these reasons, this variant has been classified as Pathogenic.

Blueprint Genetics
Classification: Likely pathogenic for ITPR1-related disorders. Last evaluated: 2020-03-13. Review status: criteria provided, single submitter. Criteria: ACMG Guidelines, 2015. Collection method: clinical testing. Allele origin: germline. Affected: yes. Observed: 1 variant allele.

Literature cited by the submitters: PubMed 27108798 (cited by Labcorp Genetics (formerly Invitae), Labcorp); PubMed 31340402 (cited by Labcorp Genetics (formerly Invitae), Labcorp).